The following is an entry in ClinVar:

ClinVar aggregate classification (germline): Uncertain significance. Review status: criteria provided, multiple submitters, no conflicts (2 of 4 stars). 2 submissions from 2 submitters: Uncertain significance (2). Last evaluated 2022-02-04.

Conditions:
Capillary malformation-arteriovenous malformation syndrome. Also called: Capillary malformation-arteriovenous malformation. Identifiers: Orphanet 137667, MedGen C1842180, MONDO:0012016.
Cardiovascular phenotype. Identifiers: MedGen CN230736.

Submissions (2):

Ambry Genetics
Classification: Uncertain significance for Cardiovascular phenotype. Last evaluated: 2022-02-04. Review status: criteria provided, single submitter. Criteria: Ambry Variant Classification Scheme 2023. Collection method: clinical testing. Allele origin: germline.
Comment: The p.K588Q variant (also known as c.1762A>C), located in coding exon 13 of the RASA1 gene, results from an A to C substitution at nucleotide position 1762. The lysine at codon 588 is replaced by glutamine, an amino acid with similar properties. This amino acid position is conserved. In addition, the in silico prediction for this alteration is inconclusive. Since supporting evidence is limited at this time, the clinical significance of this alteration remains unclear.

Labcorp Genetics (formerly Invitae), Labcorp
Classification: Uncertain significance for Capillary malformation-arteriovenous malformation syndrome. Last evaluated: 2021-09-26. Review status: criteria provided, single submitter. Criteria: Invitae Variant Classification Sherloc (09022015). Collection method: clinical testing. Allele origin: germline.
Comment: This sequence change replaces lysine with glutamine at codon 588 of the RASA1 protein (p.Lys588Gln). The lysine residue is moderately conserved and there is a small physicochemical difference between lysine and glutamine. In summary, the available evidence is currently insufficient to determine the role of this variant in disease. Therefore, it has been classified as a Variant of Uncertain Significance. Algorithms developed to predict the effect of missense changes on protein structure and function (SIFT, PolyPhen-2, Align-GVGD) all suggest that this variant is likely to be tolerated. This variant has not been reported in the literature in individuals affected with RASA1-related conditions. This variant is not present in population databases (ExAC no frequency).

NM_002890.3(RASA1):c.1762A>C (p.Lys588Gln)

Genes: CCNH (cyclin H; minus strand), RASA1 (RAS p21 protein activator 1; plus strand). Cytogenetic location: 5q14.3.
Variant type: single nucleotide variant.
Coding change: c.1762A>C on transcript NM_002890.3 (MANE Select); coding-DNA position 1762, A replaced by C.
Protein change: p.Lys588Gln; replaces lysine 588 with glutamine.
Molecular consequence: missense variant. On other transcripts: intron variant (1).
Genome position (GRCh38, 1-based): chr5:87,372,181, A>C. VCF-style: chr5-87372181-A-C. GRCh37 (hg19) VCF-style: chr5-86667998-A-C.
Other names: c.1231A>C, p.Lys411Gln (NM_022650.3); c.933+22863T>G (NM_001364075.2); short protein forms K411Q, K588Q.
Identifiers: ClinVar variation 1477881 (VCV001477881.9), dbSNP rs2112480128, ClinGen allele CA360373226.
Genomic context (GRCh38, chr5:87,372,181, plus strand): 5'-TGGATGAAAGGTCTGCAGGCATTTTGCAATTTACGGAAAAGTAGTCCAGGGACATCCAAT[A>C]AACGCCTTCGTCAGGTGAAGCTTAATTTTCTTGGATTTTTAATTGTCACATTTTGCTCTA-3'
Protein context (NP_002881.1, residues 578-598): LRKSSPGTSN[Lys588Gln]RLRQVSSLVL